The following is an entry in ClinVar:

NM_138387.4(G6PC3):c.106A>C (p.Lys36Gln)

Genes: G6PC3 (glucose-6-phosphatase catalytic subunit 3; plus strand), LOC130060959 (ATAC-STARR-seq lymphoblastoid active region 12250; plus strand). Cytogenetic location: 17q21.31.
Variant type: single nucleotide variant.
Coding change: c.106A>C on transcript NM_138387.4 (MANE Select); coding-DNA position 106, A replaced by C.
Protein change: p.Lys36Gln; replaces lysine 36 with glutamine.
Molecular consequence: missense variant. On other transcripts: 5 prime UTR variant (3), intron variant (1).
Genome position (GRCh38, 1-based): chr17:44,071,071, A>C. VCF-style: chr17-44071071-A-C. GRCh37 (hg19) VCF-style: chr17-42148439-A-C.
Other names: c.106A>C, p.Lys36Gln (NM_001319945.2); c.-299A>C (NM_001384165.1); c.-434A>C (NM_001384166.1); c.-424A>C (NM_001384167.1); c.-312+357A>C (NM_001384168.1); short protein forms K36Q.
Identifiers: ClinVar variation 1389290 (VCV001389290.6), dbSNP rs2144135194, ClinGen allele CA399745924.

ClinVar aggregate classification (germline): Uncertain significance (1 of 4 stars; one submission).

Conditions:
Autosomal recessive severe congenital neutropenia due to G6PC3 deficiency. Also called: G6PC3 Deficiency; NEUTROPENIA, SEVERE CONGENITAL, 4, AUTOSOMAL RECESSIVE. Identifiers: Orphanet 331176, MedGen C2751630, MONDO:0012930, OMIM 612541.

Submission:

Labcorp Genetics (formerly Invitae), Labcorp
Classification: Uncertain significance for Autosomal recessive severe congenital neutropenia due to G6PC3 deficiency. Last evaluated: 2021-10-25. Review status: criteria provided, single submitter. Criteria: Invitae Variant Classification Sherloc (09022015). Collection method: clinical testing. Allele origin: germline.
Comment: In summary, the available evidence is currently insufficient to determine the role of this variant in disease. Therefore, it has been classified as a Variant of Uncertain Significance. Algorithms developed to predict the effect of sequence changes on RNA splicing suggest that this variant may create or strengthen a splice site. Algorithms developed to predict the effect of missense changes on protein structure and function (SIFT, PolyPhen-2, Align-GVGD) all suggest that this variant is likely to be tolerated. This variant has not been reported in the literature in individuals affected with G6PC3-related conditions. This variant is not present in population databases (ExAC no frequency). This sequence change replaces lysine with glutamine at codon 36 of the G6PC3 protein (p.Lys36Gln). The lysine residue is moderately conserved and there is a small physicochemical difference between lysine and glutamine.